The following is an entry in ClinVar:

NM_005577.4(LPA):c.2804C>G (p.Pro935Arg)

Genes: LPA (lipoprotein(a); minus strand), LOC126859860 (CDK7 strongly-dependent group 2 enhancer GRCh37_chr6:161025992-161027191; plus strand). Cytogenetic location: 6q26.
Variant type: single nucleotide variant.
Coding change: c.2804C>G on transcript NM_005577.4 (MANE Select); coding-DNA position 2804, C replaced by G.
Protein change: p.Pro935Arg; replaces proline 935 with arginine.
Molecular consequence: missense variant.
Genome position (GRCh38, 1-based): chr6:160,605,187, G>C on the plus strand (C>G on the coding strand, the complement: LPA is on the minus strand). VCF-style: chr6-160605187-G-C. GRCh37 (hg19) VCF-style: chr6-161026219-G-C.
Other names: short protein forms P935R.
Identifiers: ClinVar variation 2657113 (VCV002657113.24), dbSNP rs766252127, ClinGen allele CA366353505.

ClinVar aggregate classification (germline): Uncertain significance (1 of 4 stars; one submission).

Submission:

CeGaT Center for Human Genetics Tuebingen
Classification: Uncertain significance. Last evaluated: 2022-05-01. Review status: criteria provided, single submitter. Criteria: CeGaT Center For Human Genetics Tuebingen Variant Classification Criteria Version 2. Collection method: clinical testing. Allele origin: germline. Affected: yes. Observed: 1 variant allele.
Comment: LPA: PM2